The following is an entry in ClinVar:

ClinVar aggregate classification (germline): Uncertain significance. Review status: criteria provided, multiple submitters, no conflicts (2 of 4 stars). 2 submissions from 2 submitters: Uncertain significance (2). Last evaluated 2022-01-07.

Conditions:
Orofaciodigital syndrome type 6 (OFD6). Also called: OROFACIODIGITAL SYNDROME VI; OFDS VI; POLYDACTYLY, CLEFT LIP/PALATE OR LINGUAL LUMP, AND PSYCHOMOTOR RETARDATION; VARADI SYNDROME; VARADI-PAPP SYNDROME; Oral-facial-digital syndrome type 6. Identifiers: Orphanet 2754, MedGen C2745997, MONDO:0010176, OMIM 277170.
Joubert syndrome 17 (JBTS17). Identifiers: Orphanet 475, MedGen C3553264, MONDO:0013824, OMIM 614615.

Allele frequency attached by ClinVar (database versions not stated): gnomAD exomes below 0.00001; ExAC 0.00001.
gnomAD v4.1: 1 of 1,600,176 alleles (0.000062%); highest among the groups gnomAD compares: African/African-American, 0.0013%; no homozygotes.

Submissions (2):

Fulgent Genetics
Classification: Uncertain significance for Orofaciodigital syndrome type 6; Joubert syndrome 17. Last evaluated: 2022-01-07. Review status: criteria provided, single submitter. Criteria: ACMG Guidelines, 2015. Collection method: clinical testing. Allele origin: unknown.

GeneDx
Classification: Uncertain significance. Last evaluated: 2021-07-02. Review status: criteria provided, single submitter. Criteria: GeneDx Variant Classification Process June 2021. Collection method: clinical testing. Allele origin: germline. Affected: yes.
Comment: Not observed at significant frequency in large population cohorts (Lek et al., 2016); Has not been previously published as pathogenic or benign to our knowledge; In-silico analysis, which includes splice predictors and evolutionary conservation, is inconclusive as to whether the variant alters gene splicing. In the absence of RNA/functional studies, the actual effect of this sequence change is unknown.; This variant is associated with the following publications: (PMID: 27535533)

NM_001384732.1(CPLANE1):c.8373+3A>G

Gene: CPLANE1 (ciliogenesis and planar polarity effector complex subunit 1; minus strand). Cytogenetic location: 5p13.2.
Variant type: single nucleotide variant.
Coding change: c.8373+3A>G on transcript NM_001384732.1 (MANE Select); 3 bases into the intron after coding-DNA position 8373, A replaced by G.
Molecular consequence: intron variant.
Genome position (GRCh38, 1-based): chr5:37,153,737, T>C on the plus strand (A>G on the coding strand, the complement: CPLANE1 is on the minus strand). VCF-style: chr5-37153737-T-C. GRCh37 (hg19) VCF-style: chr5-37153839-T-C.
Other names: c.8211+3A>G (NM_023073.4).
Identifiers: ClinVar variation 1331208 (VCV001331208.3), dbSNP rs780519767, ClinGen allele CA3237815.